The following is an entry in ClinVar:

NM_031935.3(HMCN1):c.9445+3G>A

Gene: HMCN1 (hemicentin 1; plus strand). Cytogenetic location: 1q31.1.
Variant type: single nucleotide variant.
Coding change: c.9445+3G>A on transcript NM_031935.3 (MANE Select); 3 bases into the intron after coding-DNA position 9445, G replaced by A.
Molecular consequence: intron variant.
Genome position (GRCh38, 1-based): chr1:186,088,016, G>A. VCF-style: chr1-186088016-G-A. GRCh37 (hg19) VCF-style: chr1-186057148-G-A.
Identifiers: ClinVar variation 2722887 (VCV002722887.3), dbSNP rs779526918, ClinGen allele CA1293411.

ClinVar aggregate classification (germline): Uncertain significance (1 of 4 stars; one submission).

Allele frequency attached by ClinVar (database versions not stated): gnomAD exomes 0.00001; ExAC 0.00005; gnomAD 0.00005; TOPMed 0.00009.
gnomAD v4.1: 21 of 1,612,736 alleles (0.0013%); highest among the groups gnomAD compares: Admixed American, 0.015%; 2 homozygotes.

Submission:

Labcorp Genetics (formerly Invitae), Labcorp
Classification: Uncertain significance. Last evaluated: 2023-02-16. Review status: criteria provided, single submitter. Criteria: Invitae Variant Classification Sherloc (09022015). Collection method: clinical testing. Allele origin: germline.
Comment: Variants that disrupt the consensus splice site are a relatively common cause of aberrant splicing (PMID: 17576681, 9536098). Algorithms developed to predict the effect of sequence changes on RNA splicing suggest that this variant is not likely to affect RNA splicing. This variant has not been reported in the literature in individuals affected with HMCN1-related conditions. This variant is present in population databases (rs779526918, gnomAD 0.01%). This sequence change falls in intron 61 of the HMCN1 gene. It does not directly change the encoded amino acid sequence of the HMCN1 protein. It affects a nucleotide within the consensus splice site. In summary, the available evidence is currently insufficient to determine the role of this variant in disease. Therefore, it has been classified as a Variant of Uncertain Significance.

Literature cited by the submitters: PubMed 17576681; PubMed 9536098.